The following is an entry in ClinVar:

ClinVar aggregate classification (germline): Uncertain significance (1 of 4 stars; one submission).

Conditions:
Autosomal dominant hypocalcemia 1 (HYPOC1). Also called: HYPOCALCEMIA, FAMILIAL. Identifiers: MedGen C3715128, MONDO:0011013, OMIM 601198.
Familial hypocalciuric hypercalcemia (FHH). Also called: Familial benign hypercalcemia. Identifiers: Orphanet 405, MedGen C1809471, MONDO:0018458.

Submission:

Labcorp Genetics (formerly Invitae), Labcorp
Classification: Uncertain significance for Familial hypocalciuric hypercalcemia; Autosomal dominant hypocalcemia 1. Last evaluated: 2025-05-13. Review status: criteria provided, single submitter. Criteria: Invitae Variant Classification Sherloc (09022015). Collection method: clinical testing. Allele origin: germline.
Comment: This sequence change replaces aspartic acid, which is acidic and polar, with alanine, which is neutral and non-polar, at codon 190 of the CASR protein (p.Asp190Ala). This variant is not present in population databases (gnomAD no frequency). This variant has not been reported in the literature in individuals affected with CASR-related conditions. An algorithm developed to predict the effect of missense changes on protein structure and function (PolyPhen-2) suggests that this variant is likely to be disruptive. Experimental studies are conflicting or provide insufficient evidence to determine the effect of this variant on CASR function (PMID: 12095982, 28417952). In summary, the available evidence is currently insufficient to determine the role of this variant in disease. Therefore, it has been classified as a Variant of Uncertain Significance.

Literature cited by the submitters: PubMed 12095982; PubMed 28417952.

NM_000388.4(CASR):c.569A>C (p.Asp190Ala)

Gene: CASR (calcium sensing receptor; plus strand). Cytogenetic location: 3q21.1.
Variant type: single nucleotide variant.
Coding change: c.569A>C on transcript NM_000388.4 (MANE Select); coding-DNA position 569, A replaced by C.
Protein change: p.Asp190Ala; replaces aspartic acid 190 with alanine.
Molecular consequence: missense variant.
Genome position (GRCh38, 1-based): chr3:122,261,604, A>C. VCF-style: chr3-122261604-A-C. GRCh37 (hg19) VCF-style: chr3-121980451-A-C.
Other names: c.569A>C, p.Asp190Ala (NM_001178065.2); short protein forms D190A.
Identifiers: ClinVar variation 4784992 (VCV004784992.1).
Genomic context (GRCh38, chr3:122,261,604, plus strand): 5'-CCAGCAGACTCCTCAGCAACAAGAATCAATTCAAGTCTTTCCTCCGAACCATCCCCAATG[A>C]TGAGCACCAGGCCACTGCCATGGCAGACATCATCGAGTATTTCCGCTGGAACTGGGTGGG-3'
Protein context (NP_000379.3, residues 180-200): FKSFLRTIPN[Asp190Ala]EHQATAMADI